The following is an entry in ClinVar:

NM_005732.4(RAD50):c.1766A>G (p.Gln589Arg)

Gene: RAD50 (RAD50 double strand break repair protein; plus strand). Cytogenetic location: 5q31.1.
Variant type: single nucleotide variant.
Coding change: c.1766A>G on transcript NM_005732.4 (MANE Select); coding-DNA position 1766, A replaced by G.
Protein change: p.Gln589Arg; replaces glutamine 589 with arginine.
Molecular consequence: missense variant.
Genome position (GRCh38, 1-based): chr5:132,592,007, A>G. VCF-style: chr5-132592007-A-G. GRCh37 (hg19) VCF-style: chr5-131927699-A-G.
Other names: c.1766A>G (NM_005732.3); short protein forms Q589R.
Identifiers: ClinVar variation 1393816 (VCV001393816.9), dbSNP rs1338200174, ClinGen allele CA360946711.

ClinVar aggregate classification (germline): Uncertain significance. Review status: criteria provided, multiple submitters, no conflicts (2 of 4 stars). 2 submissions from 2 submitters: Uncertain significance (2). Last evaluated 2023-05-10.

Conditions:
Hereditary cancer-predisposing syndrome. Also called: Neoplastic Syndromes, Hereditary; Hereditary neoplastic syndrome; Tumor predisposition; Hereditary Cancer Syndrome. Identifiers: Orphanet 140162, MedGen C0027672, MeSH D009386, MONDO:0015356.

Allele frequency attached by ClinVar (database versions not stated): gnomAD exomes below 0.00001 and 0.00001.
gnomAD v4.1: 2 of 1,613,268 alleles (0.00012%); highest among the groups gnomAD compares: Admixed American, 0.0033%; no homozygotes.

Submissions (2):

Quest Diagnostics Nichols Institute San Juan Capistrano
Classification: Uncertain significance. Last evaluated: 2023-05-10. Review status: criteria provided, single submitter. Criteria: Quest Diagnostics criteria. Collection method: clinical testing. Allele origin: unknown.
Comment: The variant has not been reported in the published literature. The frequency of this variant in the general population, 0.000008 (2/251186 chromosomes), is uninformative in assessment of its pathogenicity. Analysis of this variant using bioinformatics tools for the prediction of the effect of amino acid changes on protein structure and function yielded conflicting predictions that this variant is deleterious or benign. Based on the available information, we are unable to determine the clinical significance of this variant.

Labcorp Genetics (formerly Invitae), Labcorp
Classification: Uncertain significance for Hereditary cancer-predisposing syndrome. Last evaluated: 2021-06-04. Review status: criteria provided, single submitter. Criteria: Invitae Variant Classification Sherloc (09022015). Collection method: clinical testing. Allele origin: germline.
Comment: Algorithms developed to predict the effect of missense changes on protein structure and function (SIFT, PolyPhen-2, Align-GVGD) all suggest that this variant is likely to be tolerated, but these predictions have not been confirmed by published functional studies and their clinical significance is uncertain. In summary, the available evidence is currently insufficient to determine the role of this variant in disease. Therefore, it has been classified as a Variant of Uncertain Significance. This variant has not been reported in the literature in individuals with RAD50-related conditions. This sequence change replaces glutamine with arginine at codon 589 of the RAD50 protein (p.Gln589Arg). The glutamine residue is moderately conserved and there is a small physicochemical difference between glutamine and arginine. This variant is not present in population databases (ExAC no frequency).